The following is an entry in ClinVar:

ClinVar aggregate classification (germline): Pathogenic (1 of 4 stars; one submission).

Conditions:
LAMA2-related muscular dystrophy (LAMA2-RD). Also called: Laminin alpha 2-related dystrophy. Identifiers: MedGen C5679788, MONDO:0100228.

Submission:

Myriad Genetics, Inc.
Classification: Pathogenic for LAMA2-related muscular dystrophy. Last evaluated: 2023-09-27. Review status: criteria provided, single submitter. Criteria: Myriad Autosomal Dominant, Autosomal Recessive and X-Linked Classification Criteria (2023). Collection method: clinical testing. Allele origin: unknown.
Comment: NM_000426.3(LAMA2):c.4641dupG(C1548Vfs*11) is expected to be pathogenic in the context of muscular dystrophy, LAMA2-related. This variant is predicted to lead to an abnormal or absent protein product due to the creation of a premature termination codon in LAMA2, a gene where loss-of-function variants are known to be pathogenic. Please note: this variant was assessed in the context of healthy population screening.

NM_000426.4(LAMA2):c.4641dup (p.Cys1548fs)

Gene: LAMA2 (laminin subunit alpha 2; plus strand). Cytogenetic location: 6q22.33.
Variant type: Duplication.
Coding change: c.4641dup on transcript NM_000426.4 (MANE Select); coding-DNA position 4641, one base duplicated (G; older notation c.4641dupG).
Protein change: p.Cys1548fs; shifts the reading frame from cysteine 1548.
Molecular consequence: frameshift variant.
Genome position (GRCh38, 1-based): chr6:129,353,281, G duplicated. VCF-style (leftmost placement, unchanged base first): chr6-129353280-C-CG. GRCh37 (hg19) VCF-style: chr6-129674425-C-CG.
Other names: c.4641dup, p.Cys1548fs (NM_001079823.2); short protein forms C1548fs.
Identifiers: ClinVar variation 5012042 (VCV005012042.1).